The following is an entry in ClinVar:

ClinVar aggregate classification (germline): Uncertain significance (1 of 4 stars; one submission).

Conditions:
CBL-related disorder. Also called: NOONAN SYNDROME-LIKE DISORDER WITHOUT JUVENILE MYELOMONOCYTIC LEUKEMIA; CBL MUTATION-ASSOCIATED SYNDROME; CBL SYNDROME. Identifiers: Orphanet 363972, MedGen C3150803, MONDO:0013308, OMIM 613563.

Submission:

PreventionGenetics, part of Exact Sciences
Classification: Uncertain significance for CBL-related condition. Last evaluated: 2025-12-27. Review status: criteria provided, single submitter. Criteria: ACMG Guidelines, 2015. Collection method: clinical testing. Allele origin: germline.
Comment: The CBL c.329dupG variant is predicted to result in a frameshift and premature protein termination (p.Glu111Argfs*3). To our knowledge, this variant has not been reported in the literature or in a large population database (gnomAD), indicating this variant is rare. Loss of function is not an established mechanism of CBL-related disease. At this time, the clinical significance of this variant is uncertain due to the absence of conclusive functional and genetic evidence.

NM_005188.4(CBL):c.329dup (p.Glu111fs)

Gene: CBL (Cbl proto-oncogene; plus strand). Cytogenetic location: 11q23.3.
Variant type: Duplication.
Coding change: c.329dup on transcript NM_005188.4 (MANE Select); coding-DNA position 329, one base duplicated (G; older notation c.329dupG).
Protein change: p.Glu111fs; shifts the reading frame from glutamic acid 111.
Molecular consequence: frameshift variant.
Genome position (GRCh38, 1-based): chr11:119,232,581, G duplicated; the last of 2 consecutive G bases (chr11:119,232,580-119,232,581); duplicating either gives the same sequence. VCF-style (leftmost placement, unchanged base first): chr11-119232579-T-TG. GRCh37 (hg19) VCF-style: chr11-119103289-T-TG.
Other names: c.329dupG (NM_005188.3); short protein forms E111fs.
Identifiers: ClinVar variation 4995769 (VCV004995769.1).
Genomic context (GRCh38, chr11:119,232,579, plus strand): 5'-AGATACCTACCAGCATCTCCGTACTATCTTGTCAAGATATGAGGGGAAGATGGAGACACT[T>TG]GGAGAAAATGAGTATTTTAGGGTGTTTATGGAGAATTTGATGAAGAAAACTAAGCAAACC-3'